The following is an entry in ClinVar:

NM_020247.5(COQ8A):c.1332C>T (p.Thr444=)

Gene: COQ8A (coenzyme Q8A; plus strand). Cytogenetic location: 1q42.13.
Variant type: single nucleotide variant.
Coding change: c.1332C>T on transcript NM_020247.5 (MANE Select); coding-DNA position 1332, C replaced by T.
Protein change: p.Thr444=; no amino-acid change (threonine 444 retained).
Molecular consequence: synonymous variant.
Genome position (GRCh38, 1-based): chr1:226,984,169, C>T. VCF-style: chr1-226984169-C-T. GRCh37 (hg19) VCF-style: chr1-227171870-C-T.
Identifiers: ClinVar variation 1256283 (VCV001256283.12), dbSNP rs138727410, ClinGen allele CA1425442.

ClinVar aggregate classification (germline): Conflicting classifications of pathogenicity. Review status: criteria provided, conflicting classifications (1 of 4 stars). 4 submissions from 4 submitters: Uncertain significance (1); Likely benign (2). 1 of the submissions does not count toward it. Last evaluated 2025-11-03.

Conditions:
COQ8A-related disorder. Also called: COQ8A-related condition.

Allele frequency attached by ClinVar (database versions not stated): gnomAD exomes 0.00008; ExAC 0.00009; gnomAD 0.00017 and 0.00019; 1000 Genomes Project 0.00020; TOPMed 0.00025; 1000 Genomes Project 30x 0.00031; ESP Exome Variant Server 0.00038.
gnomAD v4.1: 62 of 1,613,858 alleles (0.0038%); highest among the groups gnomAD compares: African/African-American, 0.076%; no homozygotes.

Submissions (4):

Labcorp Genetics (formerly Invitae), Labcorp
Classification: Likely benign. Last evaluated: 2025-11-03. Review status: criteria provided, single submitter. Criteria: Invitae Variant Classification Sherloc (09022015). Collection method: clinical testing. Allele origin: germline.

Athena Diagnostics
Classification: Likely benign. Last evaluated: 2025-07-28. Review status: criteria provided, single submitter. Criteria: Athena Diagnostics Criteria. Collection method: clinical testing. Allele origin: unknown.
Comment: The frequency of this variant in the general population is higher than would generally be expected for pathogenic variants in this gene. Computational tools yielded predictions that this variant is unlikely to have an effect on normal RNA splicing.

GeneDx
Classification: Uncertain significance. Last evaluated: 2024-10-22. Review status: criteria provided, single submitter. Criteria: GeneDx Variant Classification Process June 2021. Collection method: clinical testing. Allele origin: germline. Affected: yes.
Comment: In silico analysis indicates that this variant does not alter splicing; Has not been previously published as pathogenic or benign to our knowledge

PreventionGenetics, part of Exact Sciences
Classification: Likely benign for COQ8A-related condition. Last evaluated: 2024-03-28. Review status: no assertion criteria provided. Collection method: clinical testing. Allele origin: germline. Not counted in ClinVar's aggregate classification.
Comment: This variant is classified as likely benign based on ACMG/AMP sequence variant interpretation guidelines (Richards et al. 2015 PMID: 25741868, with internal and published modifications).